The following is an entry in ClinVar:

NM_001378615.1(CC2D2A):c.4674+3A>T

Genes: CC2D2A (coiled-coil and C2 domain containing 2A; plus strand), FBXL5 (F-box and leucine rich repeat protein 5; minus strand). Cytogenetic location: 4p15.32.
Variant type: single nucleotide variant.
Coding change: c.4674+3A>T on transcript NM_001378615.1 (MANE Select); 3 bases into the intron after coding-DNA position 4674, A replaced by T.
Molecular consequence: intron variant.
Genome position (GRCh38, 1-based): chr4:15,599,709, A>T. VCF-style: chr4-15599709-A-T. GRCh37 (hg19) VCF-style: chr4-15601332-A-T.
Other names: c.4674+3A>T (NM_001080522.2); c.4527+3A>T (NM_001378617.1).
Identifiers: ClinVar variation 1356224 (VCV001356224.4), dbSNP rs754534791, ClinGen allele CA2864435.

ClinVar aggregate classification (germline): Uncertain significance. Review status: criteria provided, multiple submitters, no conflicts (2 of 4 stars). 2 submissions from 2 submitters: Uncertain significance (2). Last evaluated 2026-01-22.

Conditions:
Joubert syndrome. Also called: JOUBERT-BOLTSHAUSER SYNDROME; Familial aplasia of the vermis. Identifiers: Orphanet 475, MedGen C5979921, MONDO:0018772.
Meckel-Gruber syndrome. Also called: DYSENCEPHALIA SPLANCHNOCYSTICA; GRUBER SYNDROME; Dysencephalia splachnocystica. Identifiers: Orphanet 564, MedGen C0265215, MONDO:0018921.

Allele frequency attached by ClinVar (database versions not stated): TOPMed below 0.00001; ExAC 0.00001; gnomAD 0.00001; gnomAD exomes 0.00001.
gnomAD v4.1: 4 of 1,598,442 alleles (0.00025%); highest among the groups gnomAD compares: Non-Finnish European, 0.00034%; no homozygotes.

Submissions (2):

Women's Health and Genetics/Laboratory Corporation of America, LabCorp
Classification: Uncertain significance. Last evaluated: 2026-01-22. Review status: criteria provided, single submitter. Criteria: LabCorp Variant Classification Summary - May 2015. Collection method: clinical testing. Allele origin: germline.

Labcorp Genetics (formerly Invitae), Labcorp
Classification: Uncertain significance for Joubert syndrome; Meckel-Gruber syndrome. Last evaluated: 2021-08-02. Review status: criteria provided, single submitter. Criteria: Invitae Variant Classification Sherloc (09022015). Collection method: clinical testing. Allele origin: germline.
Comment: This sequence change falls in intron 37 of the CC2D2A gene. It does not directly change the encoded amino acid sequence of the CC2D2A protein. It affects a nucleotide within the consensus splice site of the intron. This variant is present in population databases (rs754534791, ExAC 0.002%). This variant has not been reported in the literature in individuals affected with CC2D2A-related conditions. Nucleotide substitutions within the consensus splice site are a relatively common cause of aberrant splicing (PMID: 17576681, 9536098). Algorithms developed to predict the effect of sequence changes on RNA splicing suggest that this variant may disrupt the consensus splice site. In summary, the available evidence is currently insufficient to determine the role of this variant in disease. Therefore, it has been classified as a Variant of Uncertain Significance.

Literature cited by the submitters: PubMed 17576681 (cited by Labcorp Genetics (formerly Invitae), Labcorp); PubMed 9536098 (cited by Labcorp Genetics (formerly Invitae), Labcorp).